The following is an entry in ClinVar:

NM_020693.4(DSCAML1):c.5995C>T (p.Pro1999Ser)

Gene: DSCAML1 (DS cell adhesion molecule like 1; minus strand). Cytogenetic location: 11q23.3.
Variant type: single nucleotide variant.
Coding change: c.5995C>T on transcript NM_020693.4 (MANE Select); coding-DNA position 5995, C replaced by T.
Protein change: p.Pro1999Ser; replaces proline 1999 with serine.
Molecular consequence: missense variant.
Genome position (GRCh38, 1-based): chr11:117,428,495, G>A on the plus strand (C>T on the coding strand, the complement: DSCAML1 is on the minus strand). VCF-style: chr11-117428495-G-A. GRCh37 (hg19) VCF-style: chr11-117299211-G-A.
Other names: short protein forms P1999S.
Identifiers: ClinVar variation 3701493 (VCV003701493.2).

ClinVar aggregate classification (germline): Uncertain significance (1 of 4 stars; one submission).

gnomAD v4.1: 4 of 1,533,562 alleles (0.00026%); highest among the groups gnomAD compares: South Asian, 0.0025%; no homozygotes.

Submission:

Labcorp Genetics (formerly Invitae), Labcorp
Classification: Uncertain significance. Last evaluated: 2025-04-17. Review status: criteria provided, single submitter. Criteria: Invitae Variant Classification Sherloc (09022015). Collection method: clinical testing. Allele origin: germline.
Comment: This sequence change replaces proline, which is neutral and non-polar, with serine, which is neutral and polar, at codon 2059 of the DSCAML1 protein (p.Pro2059Ser). The frequency data for this variant in the population databases is considered unreliable, as metrics indicate poor data quality at this position in the gnomAD database. This variant has not been reported in the literature in individuals affected with DSCAML1-related conditions. ClinVar contains an entry for this variant (Variation ID: 3701493). An algorithm developed to predict the effect of missense changes on protein structure and function (PolyPhen-2) suggests that this variant is likely to be tolerated. In summary, the available evidence is currently insufficient to determine the role of this variant in disease. Therefore, it has been classified as a Variant of Uncertain Significance.